The following is an entry in ClinVar:

NM_019066.5(MAGEL2):c.2426C>A (p.Ala809Asp)

Gene: MAGEL2 (MAGE family member L2; minus strand). Cytogenetic location: 15q11.2.
Variant type: single nucleotide variant.
Coding change: c.2426C>A on transcript NM_019066.5 (MANE Select); coding-DNA position 2426, C replaced by A.
Protein change: p.Ala809Asp; replaces alanine 809 with aspartic acid.
Molecular consequence: missense variant.
Genome position (GRCh38, 1-based): chr15:23,645,317, G>T on the plus strand (C>A on the coding strand, the complement: MAGEL2 is on the minus strand). VCF-style: chr15-23645317-G-T. GRCh37 (hg19) VCF-style: chr15-23890464-G-T.
Other names: c.2426C>A (NM_019066.4); short protein forms A809D.
Identifiers: ClinVar variation 2059364 (VCV002059364.15), dbSNP rs201811165, ClinGen allele CA7429897.

ClinVar aggregate classification (germline): Conflicting classifications of pathogenicity. Review status: criteria provided, conflicting classifications (1 of 4 stars). 5 submissions from 5 submitters: Uncertain significance (2); Likely benign (2). 1 of the submissions does not count toward it. Last evaluated 2026-06-25.

Conditions:
MAGEL2-related disorder. Also called: MAGEL2-related condition.
Inborn genetic diseases. Identifiers: MedGen C0950123, MeSH D030342.

Allele frequency attached by ClinVar (database versions not stated): ExAC 0.00004; TOPMed 0.00008; gnomAD 0.00009; gnomAD exomes 0.00014; ESP Exome Variant Server 0.00016.
gnomAD v4.1: 220 of 1,613,908 alleles (0.014%); highest among the groups gnomAD compares: Non-Finnish European, 0.017%; no homozygotes.

Submissions (5):

Women's Health and Genetics/Laboratory Corporation of America, LabCorp
Classification: Uncertain significance. Last evaluated: 2026-06-25. Review status: criteria provided, single submitter. Criteria: LabCorp Variant Classification Summary - May 2015. Collection method: clinical testing. Allele origin: germline.
Comment: Variant summary: MAGEL2 c.2426C>A (p.Ala809Asp) results in a non-conservative amino acid change in the encoded protein sequence. Algorithms developed to predict the effect of missense changes on protein structure and function are either unavailable or do not agree on the potential impact of this missense change. The variant allele was found at a frequency of 6.8e-05 in 249240 control chromosomes. This frequency is not significantly higher than estimated for disease-causing variants in MAGEL2, allowing no conclusion about variant significance. To our knowledge, no occurrence of c.2426C>A in individuals affected with MAGEL2-related conditions and no experimental evidence demonstrating its impact on protein function have been reported. ClinVar contains an entry for this variant (Variation ID: 2059364). Based on the evidence outlined above, the variant was classified as uncertain significance.

Labcorp Genetics (formerly Invitae), Labcorp
Classification: Uncertain significance. Last evaluated: 2025-11-25. Review status: criteria provided, single submitter. Criteria: Invitae Variant Classification Sherloc (09022015). Collection method: clinical testing. Allele origin: germline.
Comment: This sequence change replaces alanine, which is neutral and non-polar, with aspartic acid, which is acidic and polar, at codon 809 of the MAGEL2 protein (p.Ala809Asp). This variant is present in population databases (rs201811165, gnomAD 0.01%). This variant has not been reported in the literature in individuals affected with MAGEL2-related conditions. ClinVar contains an entry for this variant (Variation ID: 2059364). Invitae Evidence Modeling of protein sequence and biophysical properties (such as structural, functional, and spatial information, amino acid conservation, physicochemical variation, residue mobility, and thermodynamic stability) indicates that this missense variant is not expected to disrupt MAGEL2 protein function with a negative predictive value of 80%. In summary, the available evidence is currently insufficient to determine the role of this variant in disease. Therefore, it has been classified as a Variant of Uncertain Significance.

CeGaT Center for Human Genetics Tuebingen
Classification: Likely benign. Last evaluated: 2025-11-01. Review status: criteria provided, single submitter. Criteria: CeGaT Center For Human Genetics Tuebingen Variant Classification Criteria Version 2. Collection method: clinical testing. Allele origin: germline. Affected: yes. Observed: 1 variant allele.
Comment: MAGEL2: BP1, BP4

Ambry Genetics
Classification: Likely benign for Inborn genetic diseases. Last evaluated: 2023-05-17. Review status: criteria provided, single submitter. Criteria: Ambry Variant Classification Scheme 2023. Collection method: clinical testing. Allele origin: germline.

PreventionGenetics, part of Exact Sciences
Classification: Uncertain significance for MAGEL2-related condition. Last evaluated: 2024-09-27. Review status: no assertion criteria provided. Collection method: clinical testing. Allele origin: germline. Not counted in ClinVar's aggregate classification.
Comment: The MAGEL2 c.2426C>A variant is predicted to result in the amino acid substitution p.Ala809Asp. To our knowledge, this variant has not been reported in the literature. This variant is reported in 0.015% of alleles in individuals of European (Non-Finnish) descent in gnomAD. Although we suspect that this variant may be benign, at this time, the clinical significance of this variant is uncertain due to the absence of conclusive functional and genetic evidence.